The following is an entry in ClinVar:

NM_030631.4(SLC25A21):c.330+6T>A

Gene: SLC25A21 (solute carrier family 25 member 21; minus strand). Cytogenetic location: 14q13.3.
Variant type: single nucleotide variant.
Coding change: c.330+6T>A on transcript NM_030631.4 (MANE Select); 6 bases into the intron after coding-DNA position 330, T replaced by A.
Molecular consequence: intron variant.
Genome position (GRCh38, 1-based): chr14:36,729,501, A>T on the plus strand (T>A on the coding strand, the complement: SLC25A21 is on the minus strand). VCF-style: chr14-36729501-A-T. GRCh37 (hg19) VCF-style: chr14-37198706-A-T.
Other names: c.330+6T>A (NM_001171170.2).
Identifiers: ClinVar variation 1549170 (VCV001549170.27), dbSNP rs150420431, ClinGen allele CA7159344.

ClinVar aggregate classification (germline): Benign/Likely benign. Review status: criteria provided, multiple submitters, no conflicts (2 of 4 stars). 2 submissions from 2 submitters: Benign (1); Likely benign (1). Last evaluated 2025-11-26.

Allele frequency attached by ClinVar (database versions not stated): gnomAD exomes 0.00023 and 0.00059; ExAC 0.00090; 1000 Genomes Project 0.00220; ESP Exome Variant Server 0.00254; gnomAD 0.00257 and 0.00273; 1000 Genomes Project 30x 0.00265; TOPMed 0.00316.
gnomAD v4.1: 741 of 1,597,818 alleles (0.046%); highest among the groups gnomAD compares: African/African-American, 0.9%; 2 homozygotes.

Submissions (3):

Labcorp Genetics (formerly Invitae), Labcorp
Classification: Benign. Last evaluated: 2025-11-26. Review status: criteria provided, single submitter. Criteria: Invitae Variant Classification Sherloc (09022015). Collection method: clinical testing. Allele origin: germline.

CeGaT Center for Human Genetics Tuebingen
Classification: Likely benign. Last evaluated: 2024-06-01. Review status: criteria provided, single submitter. Criteria: CeGaT Center For Human Genetics Tuebingen Variant Classification Criteria Version 2. Collection method: clinical testing. Allele origin: germline. Affected: yes. Observed: 1 variant allele.
Comment: SLC25A21: BP4

Dr. Peter K. Rogan Lab, Western University
No classification provided (evidence only). Condition: Familial cancer of breast. Review status: no classification provided. Collection method: in vitro. Allele origin: not applicable. Functional consequence: retained intron. Not counted in ClinVar's aggregate classification.